The following is an entry in ClinVar:

ClinVar aggregate classification (germline): Pathogenic (1 of 4 stars; one submission).

Submission:

Labcorp Genetics (formerly Invitae), Labcorp
Classification: Pathogenic. Last evaluated: 2018-12-27. Review status: criteria provided, single submitter. Criteria: Invitae Variant Classification Sherloc (09022015). Collection method: clinical testing. Allele origin: germline.
Comment: For these reasons, this variant has been classified as Pathogenic. Loss-of-function variants in COL7A1 are known to be pathogenic (PMID: 16971478). This variant has not been reported in the literature in individuals with COL7A1-related conditions. This variant is not present in population databases (ExAC no frequency). This sequence change creates a premature translational stop signal (p.Gly1782*) in the COL7A1 gene. It is expected to result in an absent or disrupted protein product.

Literature cited by the submitters: PubMed 16971478.

NM_000094.4(COL7A1):c.5344G>T (p.Gly1782Ter)

Gene: COL7A1 (collagen type VII alpha 1 chain; minus strand). Cytogenetic location: 3p21.31.
Variant type: single nucleotide variant.
Coding change: c.5344G>T on transcript NM_000094.4 (MANE Select); coding-DNA position 5344, G replaced by T.
Protein change: p.Gly1782Ter; replaces glycine 1782 with a stop codon.
Molecular consequence: nonsense.
Genome position (GRCh38, 1-based): chr3:48,579,241, C>A on the plus strand (G>T on the coding strand, the complement: COL7A1 is on the minus strand). VCF-style: chr3-48579241-C-A. GRCh37 (hg19) VCF-style: chr3-48616674-C-A.
Other names: short protein forms G1782*.
Identifiers: ClinVar variation 643748 (VCV000643748.5), dbSNP rs374718902, ClinGen allele CA352675660.